The following is an entry in ClinVar:

NM_001197104.2(KMT2A):c.6727G>T (p.Ala2243Ser)

Gene: KMT2A (lysine methyltransferase 2A; plus strand). Cytogenetic location: 11q23.3.
Variant type: single nucleotide variant.
Coding change: c.6727G>T on transcript NM_001197104.2 (MANE Select); coding-DNA position 6727, G replaced by T.
Protein change: p.Ala2243Ser; replaces alanine 2243 with serine.
Molecular consequence: missense variant.
Genome position (GRCh38, 1-based): chr11:118,502,619, G>T. VCF-style: chr11-118502619-G-T. GRCh37 (hg19) VCF-style: chr11-118373334-G-T.
Other names: c.6817G>T, p.Ala2273Ser (NM_001412597.1); c.6718G>T, p.Ala2240Ser (NM_005933.4); short protein forms A2273S, A2240S, A2243S.
Identifiers: ClinVar variation 2808868 (VCV002808868.3), dbSNP rs782068838, ClinGen allele CA382802840.
Genomic context (GRCh38, chr11:118,502,619, plus strand): 5'-TCTAGGAATAATGTTTCCTCAGTCTCCACCACCGGGACCGCTACTGATCTTGAATCAAGT[G>T]CCAAAGTAGTTGATCATGTCTTAGGGCCACTGAATTCAAGTACTAGTTTAGGGCAAAACA-3'
Protein context (NP_001184033.1, residues 2233-2253): TGTATDLESS[Ala2243Ser]KVVDHVLGPL

ClinVar aggregate classification (germline): Uncertain significance (1 of 4 stars; one submission).

gnomAD v4.1: 7 of 1,614,104 alleles (0.00043%); highest among the groups gnomAD compares: Non-Finnish European, 0.00059%; no homozygotes.

Submission:

Labcorp Genetics (formerly Invitae), Labcorp
Classification: Uncertain significance. Last evaluated: 2022-11-06. Review status: criteria provided, single submitter. Criteria: Invitae Variant Classification Sherloc (09022015). Collection method: clinical testing. Allele origin: germline.
Comment: In summary, the available evidence is currently insufficient to determine the role of this variant in disease. Therefore, it has been classified as a Variant of Uncertain Significance. Advanced modeling of protein sequence and biophysical properties (such as structural, functional, and spatial information, amino acid conservation, physicochemical variation, residue mobility, and thermodynamic stability) performed at Invitae indicates that this missense variant is not expected to disrupt KMT2A protein function. This variant has not been reported in the literature in individuals affected with KMT2A-related conditions. This variant is present in population databases (no rsID available, gnomAD 0.0009%). This sequence change replaces alanine, which is neutral and non-polar, with serine, which is neutral and polar, at codon 2243 of the KMT2A protein (p.Ala2243Ser).